The following is an entry in ClinVar:

ClinVar aggregate classification (germline): Benign/Likely benign. Review status: criteria provided, multiple submitters, no conflicts (2 of 4 stars). 4 submissions from 4 submitters: Benign (3); Likely benign (1). Last evaluated 2026-01-06.

Conditions:
KIF22-related disorder. Also called: KIF22-related condition.

Allele frequency attached by ClinVar (database versions not stated): gnomAD exomes 0.00075; ExAC 0.00086; 1000 Genomes Project 30x 0.00234; 1000 Genomes Project 0.00260; gnomAD 0.00295 and 0.00322; ESP Exome Variant Server 0.00308; TOPMed 0.00359.
gnomAD v4.1: 890 of 1,614,076 alleles (0.055%); highest among the groups gnomAD compares: African/African-American, 1%; 7 homozygotes.

Submissions (4):

Labcorp Genetics (formerly Invitae), Labcorp
Classification: Benign. Last evaluated: 2026-01-06. Review status: criteria provided, single submitter. Criteria: Invitae Variant Classification Sherloc (09022015). Collection method: clinical testing. Allele origin: germline.

PreventionGenetics, part of Exact Sciences
Classification: Benign for KIF22-related condition. Last evaluated: 2025-11-20. Review status: criteria provided, single submitter. Criteria: ACMG Guidelines, 2015. Collection method: clinical testing. Allele origin: germline.
Comment: This variant is classified as benign based on ACMG/AMP sequence variant interpretation guidelines (Richards et al. 2015 PMID: 25741868, with internal and published modifications).

Blueprint Genetics
Classification: Likely benign. Last evaluated: 2024-02-09. Review status: criteria provided, single submitter. Criteria: ACMG Guidelines, 2015. Collection method: clinical testing. Allele origin: germline.

Eurofins Ntd Llc (ga)
Classification: Benign. Last evaluated: 2016-11-15. Review status: criteria provided, single submitter. Criteria: EGL Classification Definitions 2015. Collection method: clinical testing. Allele origin: germline. Observed: 1 variant allele, 1 heterozygote.

NM_007317.3(KIF22):c.98T>C (p.Ile33Thr)

Gene: KIF22 (kinesin family member 22; plus strand). Cytogenetic location: 16p11.2.
Variant type: single nucleotide variant.
Coding change: c.98T>C on transcript NM_007317.3 (MANE Select); coding-DNA position 98, T replaced by C.
Protein change: p.Ile33Thr; replaces isoleucine 33 with threonine.
Molecular consequence: missense variant. On other transcripts: 5 prime UTR variant (2).
Genome position (GRCh38, 1-based): chr16:29,796,920, T>C. VCF-style: chr16-29796920-T-C. GRCh37 (hg19) VCF-style: chr16-29808241-T-C.
Other names: c.-107T>C (NM_001256269.2, NM_001256270.1); short protein forms I33T.
Identifiers: ClinVar variation 497757 (VCV000497757.15), dbSNP rs113256823, ClinGen allele CA7992903.